The following is an entry in ClinVar:

ClinVar aggregate classification (germline): Uncertain significance. Review status: criteria provided, multiple submitters, no conflicts (2 of 4 stars). 5 submissions from 4 submitters: Uncertain significance (5). Last evaluated 2025-05-25.

Conditions:
Inborn genetic diseases. Identifiers: MedGen C0950123, MeSH D030342.
Cone-rod dystrophy 13 (CORD13). Identifiers: Orphanet 1872, MedGen C2750720, MONDO:0011987, OMIM 608194.
Leber congenital amaurosis 6 (LCA6). Identifiers: Orphanet 65, MedGen C1854260, MONDO:0013446, OMIM 613826.

Allele frequency attached by ClinVar (database versions not stated): TOPMed 0.00009.
gnomAD v4.1: 67 of 1,612,916 alleles (0.0042%); highest among the groups gnomAD compares: East Asian, 0.031%; no homozygotes.

Submissions (5):

Ambry Genetics
Classification: Uncertain significance for Inborn genetic diseases. Last evaluated: 2025-05-25. Review status: criteria provided, single submitter. Criteria: Ambry Variant Classification Scheme 2023. Collection method: clinical testing. Allele origin: germline.

Blueprint Genetics
Classification: Uncertain significance. Last evaluated: 2024-04-09. Review status: criteria provided, single submitter. Criteria: ACMG Guidelines, 2015. Collection method: clinical testing. Allele origin: germline.

Labcorp Genetics (formerly Invitae), Labcorp
Classification: Uncertain significance for Leber congenital amaurosis 6; Cone-rod dystrophy 13. Last evaluated: 2023-04-05. Review status: criteria provided, single submitter. Criteria: Invitae Variant Classification Sherloc (09022015). Collection method: clinical testing. Allele origin: germline.
Comment: In summary, the available evidence is currently insufficient to determine the role of this variant in disease. Therefore, it has been classified as a Variant of Uncertain Significance. Advanced modeling of protein sequence and biophysical properties (such as structural, functional, and spatial information, amino acid conservation, physicochemical variation, residue mobility, and thermodynamic stability) has been performed at Invitae for this missense variant, however the output from this modeling did not meet the statistical confidence thresholds required to predict the impact of this variant on RPGRIP1 protein function. ClinVar contains an entry for this variant (Variation ID: 881765). This variant has not been reported in the literature in individuals affected with RPGRIP1-related conditions. This variant is present in population databases (rs751975588, gnomAD 0.04%). This sequence change replaces arginine, which is basic and polar, with tryptophan, which is neutral and slightly polar, at codon 43 of the RPGRIP1 protein (p.Arg43Trp).

Illumina Laboratory Services, Illumina
Classification: Uncertain significance for Cone-rod dystrophy 13. Last evaluated: 2018-01-13. Review status: criteria provided, single submitter. Criteria: ICSL Variant Classification Criteria 13 December 2019. Collection method: clinical testing. Allele origin: germline.

Illumina Laboratory Services, Illumina
Classification: Uncertain significance for Leber congenital amaurosis 6. Last evaluated: 2018-01-13. Review status: criteria provided, single submitter. Criteria: ICSL Variant Classification Criteria 13 December 2019. Collection method: clinical testing. Allele origin: germline.

NM_020366.4(RPGRIP1):c.127C>T (p.Arg43Trp)

Gene: RPGRIP1 (RPGR interacting protein 1; plus strand). Cytogenetic location: 14q11.2.
Variant type: single nucleotide variant.
Coding change: c.127C>T on transcript NM_020366.4 (MANE Select); coding-DNA position 127, C replaced by T.
Protein change: p.Arg43Trp; replaces arginine 43 with tryptophan.
Molecular consequence: missense variant.
Genome position (GRCh38, 1-based): chr14:21,294,718, C>T. VCF-style: chr14-21294718-C-T. GRCh37 (hg19) VCF-style: chr14-21762877-C-T.
Other names: short protein forms R43W.
Identifiers: ClinVar variation 881765 (VCV000881765.12), dbSNP rs751975588, ClinGen allele CA7088571.
Genomic context (GRCh38, chr14:21,294,718, plus strand): 5'-CTGTTTTCTGGGACTTTAGGTAAGAATATGAAAACTCAACCACCCTTGAGCAGGATGAAC[C>T]GGGAGGAATTGGAGGACAGTTTCTTTCGACTTCGCGAAGATCACATGTTGGTGAAGGAGC-3'
Protein context (NP_065099.3, residues 33-53): KTQPPLSRMN[Arg43Trp]EELEDSFFRL